The following is an entry in ClinVar:

NM_005235.3(ERBB4):c.3547T>C (p.Leu1183=)

Gene: ERBB4 (erb-b2 receptor tyrosine kinase 4; minus strand). Cytogenetic location: 2q34.
Variant type: single nucleotide variant.
Coding change: c.3547T>C on transcript NM_005235.3 (MANE Select); coding-DNA position 3547, T replaced by C.
Protein change: p.Leu1183=; no amino-acid change (leucine 1183 retained).
Molecular consequence: synonymous variant.
Genome position (GRCh38, 1-based): chr2:211,383,995, A>G on the plus strand (T>C on the coding strand, the complement: ERBB4 is on the minus strand). VCF-style: chr2-211383995-A-G. GRCh37 (hg19) VCF-style: chr2-212248720-A-G.
Other names: c.3499T>C, p.Leu1167= (NM_001042599.2).
Identifiers: ClinVar variation 2176698 (VCV002176698.5), dbSNP rs773536989, ClinGen allele CA2087401.

ClinVar aggregate classification (germline): Likely benign. Review status: criteria provided, single submitter (1 of 4 stars). 2 submissions from 2 submitters: Likely benign (1). 1 of the submissions does not count toward it. Last evaluated 2024-12-16.

Conditions:
ERBB4-related disorder. Also called: ERBB4-related condition.

Allele frequency attached by ClinVar (database versions not stated): TOPMed 0.00005.
gnomAD v4.1: 35 of 1,613,974 alleles (0.0022%); highest among the groups gnomAD compares: East Asian, 0.051%; 1 homozygote.

Submissions (2):

Labcorp Genetics (formerly Invitae), Labcorp
Classification: Likely benign. Last evaluated: 2024-12-16. Review status: criteria provided, single submitter. Criteria: Invitae Variant Classification Sherloc (09022015). Collection method: clinical testing. Allele origin: germline.

PreventionGenetics, part of Exact Sciences
Classification: Likely benign for ERBB4-related condition. Last evaluated: 2024-04-09. Review status: no assertion criteria provided. Collection method: clinical testing. Allele origin: germline. Not counted in ClinVar's aggregate classification.
Comment: This variant is classified as likely benign based on ACMG/AMP sequence variant interpretation guidelines (Richards et al. 2015 PMID: 25741868, with internal and published modifications).